The following is an entry in ClinVar:

ClinVar aggregate classification (germline): Likely benign (1 of 4 stars; one submission).

Submission:

CeGaT Center for Human Genetics Tuebingen
Classification: Likely benign. Last evaluated: 2023-07-01. Review status: criteria provided, single submitter. Criteria: CeGaT Center For Human Genetics Tuebingen Variant Classification Criteria Version 2. Collection method: clinical testing. Allele origin: germline. Affected: yes. Observed: 1 variant allele.
Comment: ZFHX2: BP4, BP7

NM_033400.3(ZFHX2):c.4008A>C (p.Pro1336=)

Genes: THTPA (thiamine triphosphatase; plus strand), ZFHX2 (zinc finger homeobox 2; minus strand). Cytogenetic location: 14q11.2.
Variant type: single nucleotide variant.
Coding change: c.4008A>C on transcript NM_033400.3 (MANE Select); coding-DNA position 4008, A replaced by C.
Protein change: p.Pro1336=; no amino-acid change (proline 1336 retained).
Molecular consequence: synonymous variant.
Genome position (GRCh38, 1-based): chr14:23,525,934, T>G on the plus strand (A>C on the coding strand, the complement: ZFHX2 is on the minus strand). VCF-style: chr14-23525934-T-G. GRCh37 (hg19) VCF-style: chr14-23995143-T-G.
Identifiers: ClinVar variation 2644113 (VCV002644113.24), dbSNP rs1353721028, ClinGen allele CA485770211.